The following is an entry in ClinVar:

NM_001791.4(CDC42):c.566T>C (p.Val189Ala)

Gene: CDC42 (cell division cycle 42; plus strand). Cytogenetic location: 1p36.12.
Variant type: single nucleotide variant.
Coding change: c.566T>C on transcript NM_001791.4 (MANE Select); coding-DNA position 566, T replaced by C.
Protein change: p.Val189Ala; replaces valine 189 with alanine.
Molecular consequence: missense variant.
Genome position (GRCh38, 1-based): chr1:22,091,507, T>C. VCF-style: chr1-22091507-T-C. GRCh37 (hg19) VCF-style: chr1-22418000-T-C.
Other names: c.566T>C, p.Val189Ala (NM_001039802.2); short protein forms V189A.
Identifiers: ClinVar variation 1967876 (VCV001967876.5), dbSNP rs754298921, ClinGen allele CA675196.

ClinVar aggregate classification (germline): Uncertain significance (1 of 4 stars; one submission).

Allele frequency attached by ClinVar (database versions not stated): gnomAD exomes below 0.00001; ExAC 0.00001; TOPMed 0.00001.
gnomAD v4.1: 2 of 1,612,134 alleles (0.00012%); highest among the groups gnomAD compares: Admixed American, 0.0017%; no homozygotes.

Submission:

Labcorp Genetics (formerly Invitae), Labcorp
Classification: Uncertain significance. Last evaluated: 2023-12-10. Review status: criteria provided, single submitter. Criteria: Invitae Variant Classification Sherloc (09022015). Collection method: clinical testing. Allele origin: germline.
Comment: This sequence change replaces valine, which is neutral and non-polar, with alanine, which is neutral and non-polar, at codon 189 of the CDC42 protein (p.Val189Ala). This variant is present in population databases (rs754298921, gnomAD 0.006%). This variant has not been reported in the literature in individuals affected with CDC42-related conditions. ClinVar contains an entry for this variant (Variation ID: 1967876). An algorithm developed to predict the effect of missense changes on protein structure and function (PolyPhen-2) suggests that this variant is likely to be tolerated. In summary, the available evidence is currently insufficient to determine the role of this variant in disease. Therefore, it has been classified as a Variant of Uncertain Significance.